The following is an entry in ClinVar:

ClinVar aggregate classification (germline): Benign/Likely benign. Review status: criteria provided, multiple submitters, no conflicts (2 of 4 stars). 4 submissions from 4 submitters: Benign (2); Likely benign (2). Last evaluated 2025-10-01.

Conditions:
Hereditary cancer-predisposing syndrome. Also called: Tumor predisposition; Neoplastic Syndromes, Hereditary; Hereditary Cancer Syndrome; Hereditary neoplastic syndrome. Identifiers: Orphanet 140162, MedGen C0027672, MeSH D009386, MONDO:0015356.
Tuberous sclerosis 2 (TSC2). Identifiers: Orphanet 805, MedGen C1860707, MONDO:0013199, OMIM 613254.

Allele frequency attached by ClinVar (database versions not stated): TOPMed below 0.00001; gnomAD 0.00001.
gnomAD v4.1: 2 of 1,550,678 alleles (0.00013%); highest among the groups gnomAD compares: Non-Finnish European, 0.00017%; no homozygotes.

Submissions (4):

Labcorp Genetics (formerly Invitae), Labcorp
Classification: Likely benign for Tuberous sclerosis 2. Last evaluated: 2025-10-01. Review status: criteria provided, single submitter. Criteria: Invitae Variant Classification Sherloc (09022015). Collection method: clinical testing. Allele origin: germline.

Myriad Genetics, Inc.
Classification: Benign for Tuberous sclerosis 2. Last evaluated: 2025-05-14. Review status: criteria provided, single submitter. Criteria: Myriad Autosomal Dominant, Autosomal Recessive and X-Linked Classification Criteria (2023). Collection method: clinical testing. Allele origin: unknown.
Comment: This variant is considered benign. This variant is a silent/synonymous amino acid change and it is not expected to impact splicing.

Genome-Nilou Lab
Classification: Benign for Tuberous sclerosis 2. Last evaluated: 2021-11-07. Review status: criteria provided, single submitter. Criteria: ACMG Guidelines, 2015. Collection method: clinical testing. Allele origin: germline. Affected: no.

Ambry Genetics
Classification: Likely benign for Hereditary cancer-predisposing syndrome. Last evaluated: 2019-02-13. Review status: criteria provided, single submitter. Criteria: Ambry Variant Classification Scheme 2023. Collection method: clinical testing. Allele origin: germline.

NM_000548.5(TSC2):c.1371C>G (p.Ser457=)

Gene: TSC2 (TSC complex subunit 2; plus strand). Cytogenetic location: 16p13.3.
Variant type: single nucleotide variant.
Coding change: c.1371C>G on transcript NM_000548.5 (MANE Select); coding-DNA position 1371, C replaced by G.
Protein change: p.Ser457=; no amino-acid change (serine 457 retained).
Molecular consequence: synonymous variant.
Genome position (GRCh38, 1-based): chr16:2,062,981, C>G. VCF-style: chr16-2062981-C-G. GRCh37 (hg19) VCF-style: chr16-2112982-C-G.
Other names: c.1371C>G, p.Ser457= (NM_001077183.3, NM_001114382.3, NM_001363528.2 and 3 more transcripts); c.1260C>G, p.Ser420= (NM_001318827.2); c.1224C>G, p.Ser408= (NM_001318829.2); c.771C>G, p.Ser257= (NM_001318831.2); c.1404C>G, p.Ser468= (NM_001318832.2).
Identifiers: ClinVar variation 413657 (VCV000413657.16), dbSNP rs1060504093, ClinGen allele CA16614924.